The following is an entry in ClinVar:

ClinVar aggregate classification (germline): Uncertain significance. Review status: criteria provided, multiple submitters, no conflicts (2 of 4 stars). 2 submissions from 2 submitters: Uncertain significance (2). Last evaluated 2024-10-16.

Conditions:
Dyskeratosis congenita. Identifiers: Orphanet 1775, MedGen C0265965, MONDO:0015780.
Dyskeratosis congenita, autosomal dominant 2. Identifiers: MedGen C3151443, MONDO:0013521, OMIM 613989.
Idiopathic Pulmonary Fibrosis. Also called: Idiopathic fibrosing alveolitis, chronic form; idiopathic fibrosing alveolitis. Identifiers: Orphanet 2032, MedGen C1800706, MeSH D054990, MONDO:0800504.

Allele frequency attached by ClinVar (database versions not stated): gnomAD exomes below 0.00001.
gnomAD v4.1: 5 of 1,577,778 alleles (0.00032%); highest among the groups gnomAD compares: Non-Finnish European, 0.00043%; no homozygotes.

Submissions (2):

Labcorp Genetics (formerly Invitae), Labcorp
Classification: Uncertain significance for Dyskeratosis congenita, autosomal dominant 2; Idiopathic Pulmonary Fibrosis. Last evaluated: 2024-10-16. Review status: criteria provided, single submitter. Criteria: Invitae Variant Classification Sherloc (09022015). Collection method: clinical testing. Allele origin: germline.
Comment: This sequence change replaces threonine, which is neutral and polar, with alanine, which is neutral and non-polar, at codon 182 of the TERT protein (p.Thr182Ala). This variant is present in population databases (no rsID available, gnomAD 0.007%). This variant has not been reported in the literature in individuals affected with TERT-related conditions. ClinVar contains an entry for this variant (Variation ID: 953290). Invitae Evidence Modeling of protein sequence and biophysical properties (such as structural, functional, and spatial information, amino acid conservation, physicochemical variation, residue mobility, and thermodynamic stability) indicates that this missense variant is not expected to disrupt TERT protein function with a negative predictive value of 95%. In summary, the available evidence is currently insufficient to determine the role of this variant in disease. Therefore, it has been classified as a Variant of Uncertain Significance.

Ambry Genetics
Classification: Uncertain significance for Dyskeratosis congenita. Last evaluated: 2022-02-05. Review status: criteria provided, single submitter. Criteria: Ambry Variant Classification Scheme 2023. Collection method: clinical testing. Allele origin: germline.
Comment: The p.T182A variant (also known as c.544A>G), located in coding exon 2 of the TERT gene, results from an A to G substitution at nucleotide position 544. The threonine at codon 182 is replaced by alanine, an amino acid with similar properties. This amino acid position is conserved. In addition, this alteration is predicted to be tolerated by in silico analysis. Since supporting evidence is limited at this time, the clinical significance of this alteration remains unclear.

NM_198253.3(TERT):c.544A>G (p.Thr182Ala)

Gene: TERT (telomerase reverse transcriptase; minus strand). Cytogenetic location: 5p15.33.
Variant type: single nucleotide variant.
Coding change: c.544A>G on transcript NM_198253.3 (MANE Select); coding-DNA position 544, A replaced by G.
Protein change: p.Thr182Ala; replaces threonine 182 with alanine.
Molecular consequence: missense variant. On other transcripts: non-coding transcript variant (2).
Genome position (GRCh38, 1-based): chr5:1,294,342, T>C on the plus strand (A>G on the coding strand, the complement: TERT is on the minus strand). VCF-style: chr5-1294342-T-C. GRCh37 (hg19) VCF-style: chr5-1294457-T-C.
Other names: c.544A>G, p.Thr182Ala (NM_001193376.3); short protein forms T182A.
Identifiers: ClinVar variation 953290 (VCV000953290.10), dbSNP rs878855305, ClinGen allele CA359057604.